The following is an entry in ClinVar:

ClinVar aggregate classification (germline): Uncertain significance. Review status: criteria provided, multiple submitters, no conflicts (2 of 4 stars). 3 submissions from 3 submitters: Uncertain significance (3). Last evaluated 2024-04-19.

Conditions:
Inborn genetic diseases. Identifiers: MedGen C0950123, MeSH D030342.
Van Maldergem syndrome 2 (VMLDS2). Identifiers: Orphanet 314679, MedGen C3809875, MONDO:0014242, OMIM 615546.
Hennekam lymphangiectasia-lymphedema syndrome 2 (HKLLS2). Identifiers: Orphanet 2136, MedGen C4014939, MONDO:0014454, OMIM 616006.

Allele frequency attached by ClinVar (database versions not stated): gnomAD 0.00001; gnomAD exomes 0.00002 and 0.00003; ExAC 0.00004; 1000 Genomes Project 30x 0.00016; 1000 Genomes Project 0.00020.
gnomAD v4.1: 29 of 1,612,116 alleles (0.0018%); highest among the groups gnomAD compares: South Asian, 0.03%; 1 homozygote.

Submissions (3):

Ambry Genetics
Classification: Uncertain significance for Inborn genetic diseases. Last evaluated: 2024-04-19. Review status: criteria provided, single submitter. Criteria: Ambry Variant Classification Scheme 2023. Collection method: clinical testing. Allele origin: germline.

Fulgent Genetics
Classification: Uncertain significance for Van Maldergem syndrome 2; Hennekam lymphangiectasia-lymphedema syndrome 2. Last evaluated: 2024-02-04. Review status: criteria provided, single submitter. Criteria: ACMG Guidelines, 2015. Collection method: clinical testing. Allele origin: germline.

Labcorp Genetics (formerly Invitae), Labcorp
Classification: Uncertain significance. Last evaluated: 2023-10-04. Review status: criteria provided, single submitter. Criteria: Invitae Variant Classification Sherloc (09022015). Collection method: clinical testing. Allele origin: germline.
Comment: This sequence change replaces aspartic acid, which is acidic and polar, with asparagine, which is neutral and polar, at codon 245 of the FAT4 protein (p.Asp245Asn). This variant is present in population databases (rs563002306, gnomAD 0.03%). This variant has not been reported in the literature in individuals affected with FAT4-related conditions. ClinVar contains an entry for this variant (Variation ID: 1061666). Advanced modeling of protein sequence and biophysical properties (such as structural, functional, and spatial information, amino acid conservation, physicochemical variation, residue mobility, and thermodynamic stability) performed at Invitae indicates that this missense variant is not expected to disrupt FAT4 protein function. In summary, the available evidence is currently insufficient to determine the role of this variant in disease. Therefore, it has been classified as a Variant of Uncertain Significance.

NM_001291303.3(FAT4):c.733G>A (p.Asp245Asn)

Gene: FAT4 (FAT atypical cadherin 4; plus strand). Cytogenetic location: 4q28.1.
Variant type: single nucleotide variant.
Coding change: c.733G>A on transcript NM_001291303.3 (MANE Select); coding-DNA position 733, G replaced by A.
Protein change: p.Asp245Asn; replaces aspartic acid 245 with asparagine.
Molecular consequence: missense variant.
Genome position (GRCh38, 1-based): chr4:125,317,144, G>A. VCF-style: chr4-125317144-G-A. GRCh37 (hg19) VCF-style: chr4-126238299-G-A.
Other names: c.733G>A, p.Asp245Asn (NM_001291285.3, NM_024582.6); c.733G>A (NM_024582.4, NM_024582.5); short protein forms D245N.
Identifiers: ClinVar variation 1061666 (VCV001061666.5), dbSNP rs563002306, ClinGen allele CA3071850.